The following is an entry in ClinVar:

NM_020041.3(SLC2A9):c.1081G>A (p.Gly361Arg)

Gene: SLC2A9 (solute carrier family 2 member 9; minus strand). Cytogenetic location: 4p16.1.
Variant type: single nucleotide variant.
Coding change: c.1081G>A on transcript NM_020041.3 (MANE Select); coding-DNA position 1081, G replaced by A.
Protein change: p.Gly361Arg; replaces glycine 361 with arginine.
Molecular consequence: missense variant.
Genome position (GRCh38, 1-based): chr4:9,908,267, C>T on the plus strand (G>A on the coding strand, the complement: SLC2A9 is on the minus strand). VCF-style: chr4-9908267-C-T. GRCh37 (hg19) VCF-style: chr4-9909891-C-T.
Other names: c.994G>A, p.Gly332Arg (NM_001001290.2); short protein forms G332R, G361R.
Identifiers: ClinVar variation 4818861 (VCV004818861.1).

ClinVar aggregate classification (germline): Uncertain significance (1 of 4 stars; one submission).

Conditions:
Hypouricemia, renal, 2. Also called: HYPOURICEMIA, RENAL, 2, AUTOSOMAL DOMINANT; HYPOURICEMIA, RENAL, 2, AUTOSOMAL RECESSIVE. Identifiers: MedGen C2677549, MONDO:0012793, OMIM 612076.

gnomAD v4.1: 20 of 1,614,094 alleles (0.0012%); highest among the groups gnomAD compares: South Asian, 0.02%; no homozygotes.

Submission:

MVZ Medizinische Genetik Mainz
Classification: Uncertain significance for Hypouricemia, renal, 2. Last evaluated: 2026-02-24. Review status: criteria provided, single submitter. Criteria: UK Practice Guidelines For Variant Classification V4 01 2020. Collection method: clinical testing. Allele origin: germline. Inheritance: Autosomal recessive inheritance. Affected: yes. Observed: 1 variant allele.
Comment: ACMG Criteria: PM2_SUP,PM3_SUP,PP3